The following is an entry in ClinVar:

NM_001351169.2(NT5C2):c.509A>G (p.Asp170Gly)

Gene: NT5C2 (5'-nucleotidase, cytosolic II; minus strand). Cytogenetic location: 10q24.33.
Variant type: single nucleotide variant.
Coding change: c.509A>G on transcript NM_001351169.2 (MANE Select); coding-DNA position 509, A replaced by G.
Protein change: p.Asp170Gly; replaces aspartic acid 170 with glycine.
Molecular consequence: missense variant. On other transcripts: 5 prime UTR variant (22).
Genome position (GRCh38, 1-based): chr10:103,101,075, T>C on the plus strand (A>G on the coding strand, the complement: NT5C2 is on the minus strand). VCF-style: chr10-103101075-T-C. GRCh37 (hg19) VCF-style: chr10-104860832-T-C.
Other names: c.509A>G, p.Asp170Gly (NM_001134373.3, NM_012229.5); c.533A>G, p.Asp178Gly (NM_001351170.2, NM_001351171.2, NM_001351172.2 and 1 more transcripts); c.422A>G, p.Asp141Gly (NM_001351174.1); c.416A>G, p.Asp139Gly (NM_001351175.2); c.-65A>G (NM_001351176.2, NM_001351177.2, NM_001351178.2 and 6 more transcripts); c.-257A>G (NM_001351179.2, NM_001351180.2, NM_001351182.2 and 4 more transcripts); c.-278A>G (NM_001351185.2, NM_001351187.2); c.-150A>G (NM_001351190.2); and 1 more; short protein forms D139G, D141G, D170G, D178G.
Identifiers: ClinVar variation 4056690 (VCV004056690.1).

ClinVar aggregate classification (germline): Uncertain significance (1 of 4 stars; one submission).

Conditions:
Hereditary spastic paraplegia 45. Also called: Spastic paraplegia 45, autosomal recessive; SPASTIC PARAPLEGIA 45. Identifiers: Orphanet 320396, MedGen C3888209, MONDO:0013165, OMIM 613162.

Submission:

Laboratorio de Genetica e Diagnostico Molecular, Hospital Israelita Albert Einstein
Classification: Uncertain significance for Hereditary spastic paraplegia 45. Last evaluated: 2025-02-21. Review status: criteria provided, single submitter. Criteria: ACMG Guidelines, 2015. Collection method: clinical testing. Allele origin: germline. Affected: yes.
Comment: ACMG classification criteria: PM2 supporting